The following is an entry in ClinVar:

NM_006306.4(SMC1A):c.2950G>A (p.Gly984Ser)

Gene: SMC1A (structural maintenance of chromosomes 1A; minus strand). Cytogenetic location: Xp11.22.
Variant type: single nucleotide variant.
Coding change: c.2950G>A on transcript NM_006306.4 (MANE Select); coding-DNA position 2950, G replaced by A.
Protein change: p.Gly984Ser; replaces glycine 984 with serine.
Molecular consequence: missense variant.
Genome position (GRCh38, 1-based): chrX:53,394,801, C>T on the plus strand (G>A on the coding strand, the complement: SMC1A is on the minus strand). VCF-style: chrX-53394801-C-T. GRCh37 (hg19) VCF-style: chrX-53421721-C-T.
Other names: c.2884G>A, p.Gly962Ser (NM_001281463.1); short protein forms G984S, G962S.
Identifiers: ClinVar variation 463884 (VCV000463884.18), dbSNP rs782381563, ClinGen allele CA10420371.

ClinVar aggregate classification (germline): Conflicting classifications of pathogenicity. Review status: criteria provided, conflicting classifications (1 of 4 stars). 3 submissions from 3 submitters: Uncertain significance (1); Likely benign (2). Last evaluated 2025-10-22.

Conditions:
Inborn genetic diseases. Identifiers: MedGen C0950123, MeSH D030342.
Congenital muscular hypertrophy-cerebral syndrome (CDLS2). Also called: Cornelia de Lange syndrome 2; SMC1A-Related Cornelia de Lange Syndrome. Identifiers: Orphanet 199, MedGen C1802395, MONDO:0010370, OMIM 300590.

Allele frequency attached by ClinVar (database versions not stated): gnomAD 0.00001; gnomAD exomes 0.00001 and 0.00002; TOPMed 0.00002; ExAC 0.00007.
gnomAD v4.1: 10 of 1,182,200 alleles (0.00085%); highest among the groups gnomAD compares: Admixed American, 0.0067%; no homozygotes.

Submissions (3):

Labcorp Genetics (formerly Invitae), Labcorp
Classification: Likely benign for Congenital muscular hypertrophy-cerebral syndrome. Last evaluated: 2025-10-22. Review status: criteria provided, single submitter. Criteria: Invitae Variant Classification Sherloc (09022015). Collection method: clinical testing. Allele origin: germline.

GeneDx
Classification: Likely benign. Last evaluated: 2021-02-15. Review status: criteria provided, single submitter. Criteria: GeneDx Variant Classification Process June 2021. Collection method: clinical testing. Allele origin: germline. Affected: yes.

Ambry Genetics
Classification: Uncertain significance for Inborn genetic diseases. Last evaluated: 2016-10-19. Review status: criteria provided, single submitter. Criteria: Ambry Variant Classification Scheme 2023. Collection method: clinical testing. Allele origin: germline.
Comment: The p.G984S variant (also known as c.2950G>A), located in coding exon 19 of the SMC1A gene, results from a G to A substitution at nucleotide position 2950. The glycine at codon 984 is replaced by serine, an amino acid with similar properties. This variant was not reported in population based cohorts in the following databases: Database of Single Nucleotide Polymorphisms (dbSNP), NHLBI Exome Sequencing Project (ESP), and 1000 Genomes Project. In the ESP, this variant was not observed in 6503 samples with coverage at this position. This amino acid position is not well conserved in available vertebrate species. In addition, this alteration is predicted to be tolerated by in silico analysis. Since supporting evidence is limited at this time, the clinical significance of this variant remains unclear.